The following is an entry in ClinVar:

NM_020921.4(NIN):c.3145G>C (p.Ala1049Pro)

Gene: NIN (ninein; minus strand). Cytogenetic location: 14q22.1.
Variant type: single nucleotide variant.
Coding change: c.3145G>C on transcript NM_020921.4 (MANE Select); coding-DNA position 3145, G replaced by C.
Protein change: p.Ala1049Pro; replaces alanine 1049 with proline.
Molecular consequence: missense variant. On other transcripts: intron variant (1).
Genome position (GRCh38, 1-based): chr14:50,757,885, C>G on the plus strand (G>C on the coding strand, the complement: NIN is on the minus strand). VCF-style: chr14-50757885-C-G. GRCh37 (hg19) VCF-style: chr14-51224603-C-G.
Other names: c.3145G>C, p.Ala1049Pro (NM_182944.3, NM_182946.2); c.2399+1972G>C (NM_016350.5); short protein forms A1049P.
Identifiers: ClinVar variation 3696022 (VCV003696022.2).

ClinVar aggregate classification (germline): Uncertain significance (1 of 4 stars; one submission).

Submission:

Labcorp Genetics (formerly Invitae), Labcorp
Classification: Uncertain significance. Last evaluated: 2024-06-04. Review status: criteria provided, single submitter. Criteria: Invitae Variant Classification Sherloc (09022015). Collection method: clinical testing. Allele origin: germline.
Comment: This sequence change replaces alanine, which is neutral and non-polar, with proline, which is neutral and non-polar, at codon 1049 of the NIN protein (p.Ala1049Pro). This variant is not present in population databases (gnomAD no frequency). This variant has not been reported in the literature in individuals affected with NIN-related conditions. An algorithm developed to predict the effect of missense changes on protein structure and function (PolyPhen-2) suggests that this variant is likely to be disruptive. In summary, the available evidence is currently insufficient to determine the role of this variant in disease. Therefore, it has been classified as a Variant of Uncertain Significance.